The following is an entry in ClinVar:

NM_007294.4(BRCA1):c.259T>C (p.Leu87=)

Gene: BRCA1 (BRCA1 DNA repair associated; minus strand). Cytogenetic location: 17q21.31.
Variant type: single nucleotide variant.
Coding change: c.259T>C on transcript NM_007294.4 (MANE Select); coding-DNA position 259, T replaced by C.
Protein change: p.Leu87=; no amino-acid change (leucine 87 retained).
Molecular consequence: synonymous variant. On other transcripts: 5 prime UTR variant (7), intron variant (2).
Genome position (GRCh38, 1-based): chr17:43,104,910, A>G on the plus strand (T>C on the coding strand, the complement: BRCA1 is on the minus strand). VCF-style: chr17-43104910-A-G. GRCh37 (hg19) VCF-style: chr17-41256927-A-G.
Other names: c.259T>C, p.Leu87= (NM_001407617.1, NM_001407618.1, NM_001407619.1 and 168 more transcripts); c.181T>C, p.Leu61= (NM_001407653.1, NM_001407654.1, NM_001407655.1 and 21 more transcripts); c.118T>C, p.Leu40= (NM_001407692.1, NM_001407694.1, NM_001407695.1 and 99 more transcripts); c.49T>C, p.Leu17= (NM_001407853.1, NM_001407879.1, NM_001407881.1 and 58 more transcripts); c.-123T>C (NM_001407959.1, NM_001407960.1, NM_001407962.1 and 4 more transcripts); c.127T>C, p.Leu43= (NM_001408451.1); c.-218-10050T>C (NM_001407967.1, NM_001407966.1).
Identifiers: ClinVar variation 381661 (VCV000381661.10), dbSNP rs80357091, ClinGen allele CA16607279.

ClinVar aggregate classification (germline): Likely benign. Review status: criteria provided, multiple submitters, no conflicts (2 of 4 stars). 3 submissions from 3 submitters: Likely benign (3). Last evaluated 2020-08-18.

Conditions:
Hereditary cancer-predisposing syndrome. Also called: Neoplastic Syndromes, Hereditary; Hereditary neoplastic syndrome; Hereditary Cancer Syndrome; Tumor predisposition. Identifiers: Orphanet 140162, MedGen C0027672, MeSH D009386, MONDO:0015356.

Submissions (4):

Color Diagnostics, LLC DBA Color Health
Classification: Likely benign for Hereditary cancer-predisposing syndrome. Last evaluated: 2020-08-18. Review status: criteria provided, single submitter. Criteria: ACMG Guidelines, 2015. Collection method: clinical testing. Allele origin: germline.

Ambry Genetics
Classification: Likely benign for Hereditary cancer-predisposing syndrome. Last evaluated: 2016-06-10. Review status: criteria provided, single submitter. Criteria: Ambry Variant Classification Scheme 2023. Collection method: clinical testing. Allele origin: germline.

GeneDx
Classification: Likely benign. Last evaluated: 2015-11-09. Review status: criteria provided, single submitter. Criteria: GeneDx Variant Classification (06012015). Collection method: clinical testing. Allele origin: germline. Affected: yes.
Comment: This variant is considered likely benign or benign based on one or more of the following criteria: it is a conservative change, it occurs at a poorly conserved position in the protein, it is predicted to be benign by multiple in silico algorithms, and/or has population frequency not consistent with disease.

Brotman Baty Institute, University of Washington
No classification provided (evidence only). Condition: Breast-ovarian cancer, familial 1. Review status: no classification provided. Collection method: in vitro. Allele origin: not applicable. Functional consequence: functionally_normal. Not counted in ClinVar's aggregate classification.
ClinVar note: "not provided" was previously submitted as the classification for the variant. However, the classification appeared to be based only on an observation of functional data so it was converted to no classification on 2025-07-30.